The following is an entry in ClinVar:

ClinVar aggregate classification (germline): Pathogenic. Review status: reviewed by expert panel (3 of 4 stars). 6 submissions from 6 submitters: Pathogenic (1). 5 of the submissions do not count toward it. Last evaluated 2017-12-15.

Conditions:
Breast-ovarian cancer, familial, susceptibility to, 2 (BROVCA2). Also called: BRCA2 Hereditary Breast and Ovarian Cancer. Identifiers: Orphanet 145, MedGen C2675520, MONDO:0012933, OMIM 612555. Disease mechanism: loss of function.
Hereditary breast ovarian cancer syndrome. Also called: Hereditary breast and ovarian cancer syndrome; BRCA1- and BRCA2-Associated Hereditary Breast and Ovarian Cancer; Hereditary breast and ovarian cancer syndrome (HBOC); Hereditary breast and/or ovarian cancer syndrome; Hereditary breast and ovarian cancer; Breast and ovarian cancer. Identifiers: Orphanet 145, MedGen C0677776, MeSH D061325, MONDO:0003582. Disease mechanism: loss of function.

Allele frequency attached by ClinVar (database versions not stated): gnomAD 0.00001; gnomAD exomes 0.00001.

Submissions (6):

Evidence-based Network for the Interpretation of Germline Mutant Alleles (ENIGMA)
Classification: Pathogenic for Breast-ovarian cancer, familial, susceptibility to, 2. Last evaluated: 2017-12-15. Review status: reviewed by expert panel. Criteria: ENIGMA BRCA1/2 Classification Criteria (2017-06-29). Collection method: curation. Allele origin: germline. Study: ENIGMA.
Comment: Variant allele predicted to encode a truncated non-functional protein.

Labcorp Genetics (formerly Invitae), Labcorp
Classification: Pathogenic for Hereditary breast ovarian cancer syndrome. Last evaluated: 2024-07-23. Review status: criteria provided, single submitter. Criteria: Invitae Variant Classification Sherloc (09022015). Collection method: clinical testing. Allele origin: germline. Not counted in ClinVar's aggregate classification.
Comment: This sequence change creates a premature translational stop signal (p.Thr1346Metfs*28) in the BRCA2 gene. It is expected to result in an absent or disrupted protein product. Loss-of-function variants in BRCA2 are known to be pathogenic (PMID: 20104584). This variant is present in population databases (no rsID available, gnomAD 0.007%). This variant has not been reported in the literature in individuals affected with BRCA2-related conditions. ClinVar contains an entry for this variant (Variation ID: 438976). For these reasons, this variant has been classified as Pathogenic.

Institute for Biomarker Research, Medical Diagnostic Laboratories, L.L.C.
Classification: Pathogenic for Hereditary breast ovarian cancer syndrome. Last evaluated: 2023-05-25. Review status: criteria provided, single submitter. Criteria: ACMG Guidelines, 2015. Collection method: clinical testing. Allele origin: germline. Not counted in ClinVar's aggregate classification.

Women's Health and Genetics/Laboratory Corporation of America, LabCorp
Classification: Likely pathogenic for Hereditary breast and ovarian cancer syndrome. Last evaluated: 2020-02-24. Review status: criteria provided, single submitter. Criteria: LabCorp Variant Classification Summary - May 2015. Collection method: clinical testing. Allele origin: germline. Not counted in ClinVar's aggregate classification.
Comment: Variant summary: BRCA2 c.4037delC (p.Thr1346MetfsX28) results in a premature termination codon, predicted to cause a truncation of the encoded protein or absence of the protein due to nonsense mediated decay, which are commonly known mechanisms for disease. Truncations downstream of this position have been classified as pathogenic by our laboratory. The variant was absent in 237372 control chromosomes. c.4037delC has been reported in individuals affected with Hereditary Breast and Ovarian Cancer in the ClinVar database although to our knowledge no published reports of its occurrence in patients with HBOC have been ascertained. These data indicate that the variant is likely to be associated with disease. To our knowledge, no experimental evidence demonstrating an impact on protein function has been reported. One expert panel and two clinical diagnostic laboratories have submitted clinical-significance assessments for this variant to ClinVar after 2014 without evidence for independent evaluation. All submitters classified the variant as pathogenic (n=2)/likely pathogenic (n=1). Based on the evidence outlined above, the variant was classified as likely pathogenic.

Laboratory for Molecular Medicine, Mass General Brigham Personalized Medicine
Classification: Pathogenic for Hereditary breast ovarian cancer syndrome. Last evaluated: 2017-01-27. Review status: criteria provided, single submitter. Criteria: ACMG Guidelines, 2015. Collection method: clinical testing. Allele origin: germline. Inheritance: Autosomal dominant inheritance. Not counted in ClinVar's aggregate classification.
Comment: The p.Thr1346fs variant in BRCA2 has not been previously reported in individuals with BRCA2-associated cancers or in large population studies. This variant is predicted to cause a frameshift, which alters the protein’s amino acid sequence beginning at position 1346 and leads to a premature termination codon 28 amino acids downstream. This alteration is then predicted to lead to a truncated or absent protein. Heterozygous loss of function of the BRCA2 gene is an established disease mechanism in individuals with hereditary breast and ovarian cancer (HBOC). In summary, this variant meets criteria to be classified as pathogenic for HBOC in an autosomal dominant manner based upon predicted impact to the protein.

Quest Diagnostics Nichols Institute San Juan Capistrano
Classification: Likely pathogenic. Last evaluated: 2016-10-14. Review status: criteria provided, single submitter. Criteria: Quest Diagnostics criteria. Collection method: clinical testing. Allele origin: germline. Not counted in ClinVar's aggregate classification.

Literature cited by the submitters: PubMed 20104584 (cited by Labcorp Genetics (formerly Invitae), Labcorp).

NM_000059.4(BRCA2):c.4037del (p.Thr1346fs)

Gene: BRCA2 (BRCA2 DNA repair associated; plus strand). Cytogenetic location: 13q13.1.
Variant type: Deletion.
Coding change: c.4037del on transcript NM_000059.4 (MANE Select); coding-DNA position 4037, one base deleted (C; older notation c.4037delC).
Protein change: p.Thr1346fs; shifts the reading frame from threonine 1346.
Molecular consequence: frameshift variant.
Genome position (GRCh38, 1-based): chr13:32,338,392, C deleted. VCF-style (leftmost placement, unchanged base first): chr13-32338391-AC-A. GRCh37 (hg19) VCF-style: chr13-32912528-AC-A.
Other names: c.4037delC (NM_000059.3, NM_000059.4).
Identifiers: ClinVar variation 438976 (VCV000438976.10), dbSNP rs1162394508, ClinGen allele CA609453793.